The following is an entry in ClinVar:

NM_006267.5(RANBP2):c.1831C>T (p.Pro611Ser)

Gene: RANBP2 (RAN binding protein 2; plus strand). Cytogenetic location: 2q13.
Variant type: single nucleotide variant.
Coding change: c.1831C>T on transcript NM_006267.5 (MANE Select); coding-DNA position 1831, C replaced by T.
Protein change: p.Pro611Ser; replaces proline 611 with serine.
Molecular consequence: missense variant.
Genome position (GRCh38, 1-based): chr2:108,753,073, C>T. VCF-style: chr2-108753073-C-T. GRCh37 (hg19) VCF-style: chr2-109369529-C-T.
Other names: c.1831C>T, p.Pro611Ser (NM_001415871.1, NM_001415873.1); c.1828C>T, p.Pro610Ser (NM_001415872.1); short protein forms P610S, P611S.
Identifiers: ClinVar variation 3718225 (VCV003718225.2).

ClinVar aggregate classification (germline): Uncertain significance (1 of 4 stars; one submission).

Conditions:
Familial acute necrotizing encephalopathy (IIAE3). Also called: ENCEPHALOPATHY, ACUTE, INFECTION-INDUCED, SUSCEPTIBILITY TO, 3; Susceptibility to Acute Necrotizing Encephalopathy 1. Identifiers: Orphanet 88619, MedGen C2675556, MONDO:0011953, OMIM 608033.

Submission:

Labcorp Genetics (formerly Invitae), Labcorp
Classification: Uncertain significance for Familial acute necrotizing encephalopathy. Last evaluated: 2025-04-09. Review status: criteria provided, single submitter. Criteria: Invitae Variant Classification Sherloc (09022015). Collection method: clinical testing. Allele origin: germline.
Comment: This sequence change replaces proline, which is neutral and non-polar, with serine, which is neutral and polar, at codon 611 of the RANBP2 protein (p.Pro611Ser). This variant is not present in population databases (gnomAD no frequency). This variant has not been reported in the literature in individuals affected with RANBP2-related conditions. ClinVar contains an entry for this variant (Variation ID: 3718225). An algorithm developed to predict the effect of missense changes on protein structure and function (PolyPhen-2) suggests that this variant is likely to be tolerated. In summary, the available evidence is currently insufficient to determine the role of this variant in disease. Therefore, it has been classified as a Variant of Uncertain Significance.